The following is an entry in ClinVar:

ClinVar aggregate classification (germline): Uncertain significance. Review status: criteria provided, multiple submitters, no conflicts (2 of 4 stars). 2 submissions from 2 submitters: Uncertain significance (2). Last evaluated 2025-03-23.

Conditions:
Cardiovascular phenotype. Identifiers: MedGen CN230736.
Arrhythmogenic cardiomyopathy with wooly hair and keratoderma. Also called: Dilated cardiomyopathy with woolly hair and keratoderma; Arrhythmogenic cardiomyopathy with woolly hair and keratoderma; PALMOPLANTAR KERATODERMA WITH LEFT VENTRICULAR CARDIOMYOPATHY AND WOOLLY HAIR; Carvajal syndrome. Identifiers: Orphanet 65282, MedGen C1854063, MONDO:0011581, OMIM 605676.
Arrhythmogenic right ventricular dysplasia 8 (ARVD8). Also called: Arrhythmogenic Right Ventricular Dysplasia/Cardiomyopathy 8; ARRHYTHMOGENIC RIGHT VENTRICULAR DYSPLASIA, FAMILIAL, 8; ARRHYTHMOGENIC RIGHT VENTRICULAR CARDIOMYOPATHY 8. Identifiers: MedGen C1843896, MONDO:0011831, OMIM 607450.

Allele frequency attached by ClinVar (database versions not stated): gnomAD exomes below 0.00001.
gnomAD v4.1: 6 of 1,614,030 alleles (0.00037%); highest among the groups gnomAD compares: Non-Finnish European, 0.00051%; no homozygotes.

Submissions (2):

Ambry Genetics
Classification: Uncertain significance for Cardiovascular phenotype. Last evaluated: 2025-03-23. Review status: criteria provided, single submitter. Criteria: Ambry Variant Classification Scheme 2023. Collection method: clinical testing. Allele origin: germline.
Comment: The p.E1607G variant (also known as c.4820A>G), located in coding exon 23 of the DSP gene, results from an A to G substitution at nucleotide position 4820. The glutamic acid at codon 1607 is replaced by glycine, an amino acid with similar properties. This amino acid position is conserved. In addition, the in silico prediction for this alteration is inconclusive. Based on the available evidence, the clinical significance of this variant remains unclear.

Labcorp Genetics (formerly Invitae), Labcorp
Classification: Uncertain significance for Arrhythmogenic cardiomyopathy with wooly hair and keratoderma; Arrhythmogenic right ventricular dysplasia 8. Last evaluated: 2024-05-13. Review status: criteria provided, single submitter. Criteria: Invitae Variant Classification Sherloc (09022015). Collection method: clinical testing. Allele origin: germline.
Comment: This sequence change replaces glutamic acid, which is acidic and polar, with glycine, which is neutral and non-polar, at codon 1607 of the DSP protein (p.Glu1607Gly). This variant is present in population databases (no rsID available, gnomAD 0.0009%). This variant has not been reported in the literature in individuals affected with DSP-related conditions. ClinVar contains an entry for this variant (Variation ID: 1350939). An algorithm developed to predict the effect of missense changes on protein structure and function (PolyPhen-2) suggests that this variant is likely to be tolerated. In summary, the available evidence is currently insufficient to determine the role of this variant in disease. Therefore, it has been classified as a Variant of Uncertain Significance.

NM_004415.4(DSP):c.4820A>G (p.Glu1607Gly)

Gene: DSP (desmoplakin; plus strand). Cytogenetic location: 6p24.3.
Variant type: single nucleotide variant.
Coding change: c.4820A>G on transcript NM_004415.4 (MANE Select); coding-DNA position 4820, A replaced by G.
Protein change: p.Glu1607Gly; replaces glutamic acid 1607 with glycine.
Molecular consequence: missense variant. On other transcripts: intron variant (2).
Genome position (GRCh38, 1-based): chr6:7,581,010, A>G. VCF-style: chr6-7581010-A-G. GRCh37 (hg19) VCF-style: chr6-7581243-A-G.
Other names: c.4820A>G (NM_004415.2); c.4050+770A>G (NM_001319034.2); c.3582+1238A>G (NM_001008844.3); short protein forms E1607G.
Identifiers: ClinVar variation 1350939 (VCV001350939.9), dbSNP rs1364445729, ClinGen allele CA362687227.
Genomic context (GRCh38, chr6:7,581,010, plus strand): 5'-ACTCCTGCAAGAGGAAGAAGCTGGAGGAAGAGCTGGAAGGCATGAGGAGGTCGCTGAAGG[A>G]GCAAGCCATCAAAATCACCAACCTGACCCAGCAGCTGGAGCAGGCATCCATTGTTAAGAA-3'
Protein context (NP_004406.2, residues 1597-1617): ELEGMRRSLK[Glu1607Gly]QAIKITNLTQ